The following is an entry in ClinVar:

NM_001046.3(SLC12A2):c.887_890del (p.Met296fs)

Gene: SLC12A2 (solute carrier family 12 member 2; plus strand). Cytogenetic location: 5q23.3.
Variant type: Deletion.
Coding change: c.887_890del on transcript NM_001046.3 (MANE Select); coding-DNA positions 887 to 890, 4 bases deleted (TGTT; older notation c.887_890delTGTT).
Protein change: p.Met296fs; shifts the reading frame from methionine 296.
Molecular consequence: frameshift variant. On other transcripts: non-coding transcript variant (1).
Genome position (GRCh38, 1-based): chr5:128,114,222-128,114,225, TGTT deleted. VCF-style (leftmost placement, unchanged base first): chr5-128114221-ATGTT-A. GRCh37 (hg19) VCF-style: chr5-127449913-ATGTT-A.
Other names: c.887_890del, p.Met296fs (NM_001256461.2); short protein forms M296fs.
Identifiers: ClinVar variation 2413014 (VCV002413014.3), dbSNP rs2479292491, ClinGen allele CA2580072539.

ClinVar aggregate classification (germline): Uncertain significance (1 of 4 stars; one submission).

Submission:

GeneDx
Classification: Uncertain significance. Last evaluated: 2022-07-25. Review status: criteria provided, single submitter. Criteria: GeneDx Variant Classification Process June 2021. Collection method: clinical testing. Allele origin: germline. Affected: yes.
Comment: Not observed at significant frequency in large population cohorts (gnomAD); Frameshift variant predicted to result in protein truncation or nonsense mediated decay in a gene or region of a gene for which loss of function is not a well-established mechanism of disease; Has not been previously published as pathogenic or benign to our knowledge